The following is an entry in ClinVar:

ClinVar aggregate classification (germline): Likely benign (0 of 4 stars; one submission).

Conditions:
TRPC5-related disorder. Also called: TRPC5-related condition.

Allele frequency attached by ClinVar (database versions not stated): TOPMed 0.00002; gnomAD 0.00003; gnomAD exomes 0.00003; ExAC 0.00007.
gnomAD v4.1: 18 of 1,210,484 alleles (0.0015%); highest among the groups gnomAD compares: Admixed American, 0.039%; no homozygotes.

Submission:

PreventionGenetics, part of Exact Sciences
Classification: Likely benign for TRPC5-related condition. Last evaluated: 2023-03-01. Review status: no assertion criteria provided. Collection method: clinical testing. Allele origin: germline.
Comment: This variant is classified as likely benign based on ACMG/AMP sequence variant interpretation guidelines (Richards et al. 2015 PMID: 25741868, with internal and published modifications).

NM_012471.3(TRPC5):c.177T>C (p.Tyr59=)

Gene: TRPC5 (transient receptor potential cation channel subfamily C member 5; minus strand). Cytogenetic location: Xq23.
Variant type: single nucleotide variant.
Coding change: c.177T>C on transcript NM_012471.3 (MANE Select); coding-DNA position 177, T replaced by C.
Protein change: p.Tyr59=; no amino-acid change (tyrosine 59 retained).
Molecular consequence: synonymous variant.
Genome position (GRCh38, 1-based): chrX:111,952,244, A>G on the plus strand (T>C on the coding strand, the complement: TRPC5 is on the minus strand). VCF-style: chrX-111952244-A-G. GRCh37 (hg19) VCF-style: chrX-111195472-A-G.
Identifiers: ClinVar variation 3031626 (VCV003031626.2), dbSNP rs763859935, ClinGen allele CA10494449.